The following is an entry in ClinVar:

ClinVar aggregate classification (germline): Uncertain significance (1 of 4 stars; one submission).

gnomAD v4.1: 357 of 1,614,026 alleles (0.022%); highest among the groups gnomAD compares: Admixed American, 0.033%; no homozygotes.

Submission:

Dasa
Classification: Uncertain significance. Last evaluated: 2026-02-27. Review status: criteria provided, single submitter. Criteria: DASA Assertion Criteria. Collection method: clinical testing. Allele origin: germline.
Comment: NM_002472.3(MYH8):c.3254+1G>A affects a canonical splice site and is predicted to disrupt normal RNA splicing. This variant is rare in population databases. The currently available literature and clinical evidence are not sufficient to establish a definitive association between this variant and the reported condition. Therefore, this variant is classified as a variant of uncertain significance.

NM_002472.3(MYH8):c.3254+1G>A

Genes: MYH8 (myosin heavy chain 8; minus strand), MYHAS (myosin heavy chain gene cluster antisense RNA; plus strand), LOC126862494 (BRD4-independent group 4 enhancer GRCh37_chr17:10303826-10305025; plus strand). Cytogenetic location: 17p13.1.
Variant type: single nucleotide variant.
Coding change: c.3254+1G>A on transcript NM_002472.3 (MANE Select); the canonical splice donor site of the intron after coding-DNA position 3254, G replaced by A.
Molecular consequence: splice donor variant.
Genome position (GRCh38, 1-based): chr17:10,401,045, C>T on the plus strand (G>A on the coding strand, the complement: MYH8 is on the minus strand). VCF-style: chr17-10401045-C-T. GRCh37 (hg19) VCF-style: chr17-10304362-C-T.
Identifiers: ClinVar variation 4885986 (VCV004885986.2), dbSNP rs372740784.
Genomic context (GRCh38, chr17:10,401,045, plus strand): 5'-TAATACTCATGTGAATTGAAAGATGATATCACATAGAAGTTTTTTTCTAAAAGGCTCCTA[C>T]TTTTCAAGCTTTTCATCAAGTTGCTGTTTGTCATTTTCCATATCCATTGTGGATTCTTGG-3'